The following is an entry in ClinVar:

ClinVar aggregate classification (germline): Pathogenic. Review status: criteria provided, multiple submitters, no conflicts (2 of 4 stars). 8 submissions from 8 submitters: Pathogenic (6). 2 of the submissions do not count toward it. Last evaluated 2026-01-13.

Conditions:
ABCC6-related disorder. Also called: ABCC6-related condition.
Arterial calcification, generalized, of infancy, 2. Identifiers: Orphanet 51608, MedGen C3276161, MONDO:0013768, OMIM 614473.
Autosomal recessive inherited pseudoxanthoma elasticum (PXE). Identifiers: Orphanet 758, MedGen CN032334, MONDO:0009925, OMIM 264800.
Pseudoxanthoma elasticum, forme fruste. Also called: Pseudoxanthoma Elasticum, Incomplete; PSEUDOXANTHOMA ELASTICUM, HETEROZYGOUS. Identifiers: Orphanet 758, MedGen C1867450, MONDO:0008333, OMIM 177850.
Retinal dystrophy. Also called: Inherited retinal dystrophy. Identifiers: Orphanet 71862, MedGen C0854723, MeSH D058499, MONDO:0019118, HP:0000556.

Allele frequency attached by ClinVar (database versions not stated): gnomAD exomes 0.00016 and 0.00008; TOPMed 0.00003; ESP Exome Variant Server 0.00016; gnomAD 0.00005; ExAC 0.00009.

Submissions (8):

Labcorp Genetics (formerly Invitae), Labcorp
Classification: Pathogenic. Last evaluated: 2026-01-13. Review status: criteria provided, single submitter. Criteria: Invitae Variant Classification Sherloc (09022015). Collection method: clinical testing. Allele origin: germline.
Comment: This sequence change creates a premature translational stop signal (p.Trp1259Glyfs*14) in the ABCC6 gene. It is expected to result in an absent or disrupted protein product. Loss-of-function variants in ABCC6 are known to be pathogenic (PMID: 11536079, 17617515). This variant is present in population databases (rs72664233, gnomAD 0.02%). This premature translational stop signal has been observed in individual(s) with pseudoxanthoma elasticum (PMID: 10835643). It has also been observed to segregate with disease in related individuals. ClinVar contains an entry for this variant (Variation ID: 6563). For these reasons, this variant has been classified as Pathogenic.

GeneDx
Classification: Pathogenic. Last evaluated: 2025-01-13. Review status: criteria provided, single submitter. Criteria: GeneDx Variant Classification Process June 2021. Collection method: clinical testing. Allele origin: germline. Affected: yes.
Comment: Frameshift variant predicted to result in protein truncation or nonsense mediated decay in a gene for which loss-of-function is a known mechanism of disease; This variant is associated with the following publications: (PMID: 11536079, 16835894, 34906475, 15727254, 29800625, 10835642, 19339160, 19904211, 33820832, 16086317, 10835643)

Blueprint Genetics
Classification: Pathogenic for ABCC6-related disorders. Last evaluated: 2024-10-31. Review status: criteria provided, single submitter. Criteria: ACMG Guidelines, 2015. Collection method: clinical testing. Allele origin: germline. Affected: yes. Observed: 5 variant alleles.

Fulgent Genetics
Classification: Pathogenic for Pseudoxanthoma elasticum, forme fruste; Autosomal recessive inherited pseudoxanthoma elasticum; Arterial calcification, generalized, of infancy, 2. Last evaluated: 2024-01-29. Review status: criteria provided, single submitter. Criteria: ACMG Guidelines, 2015. Collection method: clinical testing. Allele origin: germline.

Institute of Human Genetics, Univ. Regensburg, Univ. Regensburg
Classification: Pathogenic for Retinal dystrophy. Last evaluated: 2021-01-01. Review status: criteria provided, single submitter. Criteria: ACMG Guidelines, 2015. Collection method: clinical testing. Allele origin: germline. Affected: yes.

Institute of Human Genetics, University of Leipzig Medical Center
Classification: Pathogenic for Autosomal recessive inherited pseudoxanthoma elasticum. Last evaluated: 2019-01-01. Review status: criteria provided, single submitter. Criteria: ACMG Guidelines, 2015. Collection method: clinical testing. Allele origin: unknown. Affected: yes.

PXE International
Classification: Pathogenic for Autosomal recessive inherited pseudoxanthoma elasticum. Last evaluated: 2021-03-01. Review status: no assertion criteria provided. Collection method: research. Allele origin: germline. Inheritance: Autosomal recessive inheritance. Affected: yes. Observed: 6 variant alleles. Clinical features observed: Papule (HP:0200034), Skin plaque (HP:0200035), Global developmental delay (HP:0001263), Retinal hemorrhage (HP:0000573), Angina pectoris (HP:0001681), Abnormal EKG (HP:0003115), Abnormally lax or hyperextensible skin (HP:0008067), Intermittent claudication (HP:0004417), Angioid streaks (HP:0001102). Not counted in ClinVar's aggregate classification.

OMIM
Classification: Pathogenic for PSEUDOXANTHOMA ELASTICUM. Last evaluated: 2009-12-01. Review status: no assertion criteria provided. Collection method: literature only. Allele origin: germline. Not counted in ClinVar's aggregate classification.

Literature cited by the submitters: PubMed 11536079 (cited by Labcorp Genetics (formerly Invitae), Labcorp); PubMed 17617515 (cited by Labcorp Genetics (formerly Invitae), Labcorp); PubMed 10835643 (cited by Labcorp Genetics (formerly Invitae), Labcorp and Institute of Human Genetics, Univ. Regensburg, Univ. Regensburg); PubMed 19904211 (cited by 3 submitters); PubMed 29800625 (cited by Institute of Human Genetics, Univ. Regensburg, Univ. Regensburg); PubMed 33820832 (cited by Institute of Human Genetics, Univ. Regensburg, Univ. Regensburg); PubMed 34906475 (cited by Institute of Human Genetics, Univ. Regensburg, Univ. Regensburg); PubMed 10835642 (cited by OMIM).

NM_001171.6(ABCC6):c.3775del (p.Trp1259fs)

Gene: ABCC6 (ATP binding cassette subfamily C member 6; minus strand). Cytogenetic location: 16p13.11.
Variant type: Deletion.
Coding change: c.3775del on transcript NM_001171.6 (MANE Select); coding-DNA position 3775, one base deleted (T; older notation c.3775delT).
Protein change: p.Trp1259fs; shifts the reading frame from tryptophan 1259.
Molecular consequence: frameshift variant. On other transcripts: non-coding transcript variant (1).
Genome position (GRCh38, 1-based): chr16:16,157,770, A deleted on the plus strand (T on the coding strand, the reverse complement: ABCC6 is on the minus strand). VCF-style (leftmost placement, unchanged base first): chr16-16157769-CA-C. GRCh37 (hg19) VCF-style: chr16-16251626-CA-C.
Other names: c.3775delT (NM_001171.5); c.3433del, p.Trp1145fs (NM_001351800.1); short protein forms W1259fs, W1145fs.
Identifiers: ClinVar variation 6563 (VCV000006563.17), dbSNP rs72664233, ClinGen allele CA281569.